The following is an entry in ClinVar:

ClinVar aggregate classification (germline): Uncertain significance (1 of 4 stars; one submission).

Allele frequency attached by ClinVar (database versions not stated): gnomAD 0.00001; TOPMed 0.00001.
gnomAD v4.1: 1 of 1,614,120 alleles (0.000062%); highest among the groups gnomAD compares: Admixed American, 0.0017%; no homozygotes.

Submission:

Labcorp Genetics (formerly Invitae), Labcorp
Classification: Uncertain significance. Last evaluated: 2022-04-18. Review status: criteria provided, single submitter. Criteria: Invitae Variant Classification Sherloc (09022015). Collection method: clinical testing. Allele origin: germline.
Comment: In summary, the available evidence is currently insufficient to determine the role of this variant in disease. Therefore, it has been classified as a Variant of Uncertain Significance. Algorithms developed to predict the effect of missense changes on protein structure and function are either unavailable or do not agree on the potential impact of this missense change (SIFT: "Deleterious"; PolyPhen-2: "Probably Damaging"; Align-GVGD: "Class C0"). This variant has not been reported in the literature in individuals affected with MAPKBP1-related conditions. This variant is not present in population databases (gnomAD no frequency). This sequence change replaces arginine, which is basic and polar, with glycine, which is neutral and non-polar, at codon 741 of the MAPKBP1 protein (p.Arg741Gly).

NM_014994.3(MAPKBP1):c.2203A>G (p.Arg735Gly)

Gene: MAPKBP1 (mitogen-activated protein kinase binding protein 1; plus strand). Cytogenetic location: 15q15.1.
Variant type: single nucleotide variant.
Coding change: c.2203A>G on transcript NM_014994.3 (MANE Select); coding-DNA position 2203, A replaced by G.
Protein change: p.Arg735Gly; replaces arginine 735 with glycine.
Molecular consequence: missense variant. On other transcripts: non-coding transcript variant (2).
Genome position (GRCh38, 1-based): chr15:41,818,869, A>G. VCF-style: chr15-41818869-A-G. GRCh37 (hg19) VCF-style: chr15-42111067-A-G.
Other names: c.2221A>G, p.Arg741Gly (NM_001128608.2); c.2203A>G, p.Arg735Gly (NM_001265611.2); short protein forms R741G, R735G.
Identifiers: ClinVar variation 1938226 (VCV001938226.5), dbSNP rs2064936975, ClinGen allele CA391866584.